The following is an entry in ClinVar:

ClinVar aggregate classification (germline): Uncertain significance. Review status: criteria provided, multiple submitters, no conflicts (2 of 4 stars). 2 submissions from 2 submitters: Uncertain significance (2). Last evaluated 2025-11-03.

Conditions:
STAG2-related disorder. Also called: STAG2-Related Disorders.

Allele frequency attached by ClinVar (database versions not stated): gnomAD 0.00001; TOPMed 0.00001; ExAC 0.00002; gnomAD exomes 0.00002 and 0.00004.

Submissions (2):

Labcorp Genetics (formerly Invitae), Labcorp
Classification: Uncertain significance. Last evaluated: 2025-11-03. Review status: criteria provided, single submitter. Criteria: Invitae Variant Classification Sherloc (09022015). Collection method: clinical testing. Allele origin: germline.
Comment: This sequence change replaces serine, which is neutral and polar, with leucine, which is neutral and non-polar, at codon 97 of the STAG2 protein (p.Ser97Leu). This variant is present in population databases (rs777893472, gnomAD 0.005%). This variant has not been reported in the literature in individuals affected with STAG2-related conditions. ClinVar contains an entry for this variant (Variation ID: 1342142). An algorithm developed to predict the effect of missense changes on protein structure and function (PolyPhen-2) suggests that this variant is likely to be tolerated. In summary, the available evidence is currently insufficient to determine the role of this variant in disease. Therefore, it has been classified as a Variant of Uncertain Significance.

Undiagnosed Diseases Network, NIH
Classification: Uncertain significance for STAG2-related condition. Last evaluated: 2022-01-06. Review status: criteria provided, single submitter. Criteria: ACMG Guidelines, 2015. Collection method: clinical testing. Allele origin: maternal. Inheritance: X-linked inheritance. Affected: yes. Observed: 1 variant allele, 1 hemizygote. Study: Undiagnosed Diseases Network (NIH), UDN.

NM_001042750.2(STAG2):c.290C>T (p.Ser97Leu)

Gene: STAG2 (STAG2 cohesin complex component; plus strand). Cytogenetic location: Xq25.
Variant type: single nucleotide variant.
Coding change: c.290C>T on transcript NM_001042750.2 (MANE Select); coding-DNA position 290, C replaced by T.
Protein change: p.Ser97Leu; replaces serine 97 with leucine.
Molecular consequence: missense variant.
Genome position (GRCh38, 1-based): chrX:124,037,528, C>T. VCF-style: chrX-124037528-C-T. GRCh37 (hg19) VCF-style: chrX-123171378-C-T.
Other names: p.S97L; c.290C>T, p.Ser97Leu (NM_001042749.2, NM_001042751.2, NM_001282418.2 and 13 more transcripts); short protein forms S97L.
Identifiers: ClinVar variation 1342142 (VCV001342142.8), dbSNP rs777893472, ClinGen allele CA10508581.